The following is an entry in ClinVar:

ClinVar aggregate classification (germline): Conflicting classifications of pathogenicity. Review status: criteria provided, conflicting classifications (1 of 4 stars). 5 submissions from 5 submitters: Pathogenic (1); Likely pathogenic (2); Uncertain significance (1). 1 of the submissions does not count toward it. Last evaluated 2025-04-09.

Conditions:
Neurofibromatosis, type 1 (NF1). Also called: VON RECKLINGHAUSEN DISEASE; NEUROFIBROMATOSIS, TYPE I, SOMATIC; Neurofibromatosis, type I; Peripheral type neurofibromatosis. Identifiers: Orphanet 636, MedGen C0027831, MONDO:0018975, OMIM 162200. Disease mechanism: loss of function.
Cardiovascular phenotype. Identifiers: MedGen CN230736.
Hereditary cancer-predisposing syndrome. Also called: Neoplastic Syndromes, Hereditary; Tumor predisposition; Hereditary Cancer Syndrome; Hereditary neoplastic syndrome. Identifiers: Orphanet 140162, MedGen C0027672, MeSH D009386, MONDO:0015356.

Submissions (5):

NHS Central & South Genomic Laboratory Hub
Classification: Pathogenic for Neurofibromatosis type 1. Last evaluated: 2025-04-09. Review status: criteria provided, single submitter. Criteria: ACMG Guidelines, 2015. Collection method: clinical testing. Allele origin: germline. Affected: yes.

3billion
Classification: Likely pathogenic for Neurofibromatosis, type 1. Last evaluated: 2025-03-31. Review status: criteria provided, single submitter. Criteria: ACMG Guidelines, 2015. Collection method: clinical testing. Allele origin: germline. Affected: yes.

Labcorp Genetics (formerly Invitae), Labcorp
Classification: Uncertain significance for Neurofibromatosis, type 1. Last evaluated: 2023-08-17. Review status: criteria provided, single submitter. Criteria: Invitae Variant Classification Sherloc (09022015). Collection method: clinical testing. Allele origin: germline.
Comment: In summary, the available evidence is currently insufficient to determine the role of this variant in disease. Therefore, it has been classified as a Variant of Uncertain Significance. This variant disrupts the c.5546G nucleotide in the NF1 gene. Other variant(s) that disrupt this nucleotide have been determined to be pathogenic (PMID: 10607834, 10980545, 27322474; Invitae). This suggests that this nucleotide is clinically significant, and that variants that disrupt this position are likely to be disease-causing. Variants that disrupt the consensus splice site are a relatively common cause of aberrant splicing (PMID: 17576681, 9536098). Algorithms developed to predict the effect of sequence changes on RNA splicing suggest that this variant may disrupt the consensus splice site. An algorithm developed to predict the effect of missense changes on protein structure and function (PolyPhen-2) suggests that this variant is likely to be disruptive. ClinVar contains an entry for this variant (Variation ID: 1748220). This missense change has been observed in individual(s) with clinical features of neurofibromatosis type 1 (PMID: 23913538). This variant is not present in population databases (gnomAD no frequency). This sequence change replaces arginine, which is basic and polar, with proline, which is neutral and non-polar, at codon 1849 of the NF1 protein (p.Arg1849Pro). This variant also falls at the last nucleotide of exon 37, which is part of the consensus splice site for this exon.

Ambry Genetics
Classification: Likely pathogenic for Cardiovascular phenotype; Hereditary cancer-predisposing syndrome. Last evaluated: 2022-09-09. Review status: criteria provided, single submitter. Criteria: Ambry Variant Classification Scheme 2023. Collection method: clinical testing. Allele origin: germline.
Comment: The c.5546G>C variant (also known as p.R1849P), located in coding exon 37 of the NF1 gene, results from a G to C substitution at nucleotide position 5546. The amino acid change results in arginine to proline at codon 1849, an amino acid with dissimilar properties. However, this change occurs in the last base pair of coding exon 37, which makes it likely to have some effect on normal mRNA splicing. This variant was identified in 1 of 565 unrelated French probands with clinical diagnoses or suspicion of neurofibromatosis type 1 (Sabbagh A et al. Hum Mutat, 2013 Nov;34:1510-8). In silico splice site analysis predicts that this alteration may weaken the native splice donor site. RNA studies have demonstrated that this alteration results in abnormal splicing in the set of samples tested (Ambry internal data). This variant is considered to be rare based on population cohorts in the Genome Aggregation Database (gnomAD). Based on the majority of available evidence to date, this variant is likely to be pathogenic.

Department of Medical Genetics, College of Basic Medicine, Army Medical University
Classification: Pathogenic for Neurofibromatosis, type 1. Review status: no assertion criteria provided. Collection method: research. Allele origin: de novo. Affected: yes. Not counted in ClinVar's aggregate classification.

Literature cited by the submitters: PubMed 23913538 (cited by 3billion and Labcorp Genetics (formerly Invitae), Labcorp); PubMed 10607834 (cited by 3billion and Labcorp Genetics (formerly Invitae), Labcorp); PubMed 10980545 (cited by Labcorp Genetics (formerly Invitae), Labcorp); PubMed 27322474 (cited by Labcorp Genetics (formerly Invitae), Labcorp); PubMed 17576681 (cited by Labcorp Genetics (formerly Invitae), Labcorp); PubMed 9536098 (cited by Labcorp Genetics (formerly Invitae), Labcorp).

NM_001042492.3(NF1):c.5609G>C (p.Arg1870Pro)

Gene: NF1 (neurofibromin 1; plus strand). Cytogenetic location: 17q11.2.
Variant type: single nucleotide variant.
Coding change: c.5609G>C on transcript NM_001042492.3 (MANE Select); coding-DNA position 5609, G replaced by C.
Protein change: p.Arg1870Pro; replaces arginine 1870 with proline.
Molecular consequence: missense variant.
Genome position (GRCh38, 1-based): chr17:31,327,839, G>C. VCF-style: chr17-31327839-G-C. GRCh37 (hg19) VCF-style: chr17-29654857-G-C.
Other names: c.5546G>C, p.Arg1849Pro (NM_000267.4); short protein forms R1849P, R1870P.
Identifiers: ClinVar variation 1748220 (VCV001748220.8), dbSNP rs786202112, ClinGen allele CA399010075.